The following is an entry in ClinVar:

ClinVar aggregate classification (germline): Pathogenic (1 of 4 stars; one submission).

Submission:

GeneDx
Classification: Pathogenic. Last evaluated: 2019-11-13. Review status: criteria provided, single submitter. Criteria: GeneDx Variant Classification Process June 2021. Collection method: clinical testing. Allele origin: germline. Affected: yes.
Comment: Frameshift variant predicted to result in protein truncation or nonsense mediated decay in a gene for which loss-of-function is a known mechanism of disease; Not observed in large population cohorts (Lek et al., 2016); Has not been previously published as pathogenic or benign to our knowledge

NM_001267550.2(TTN):c.68383_68387del (p.Lys22795fs)

Genes: TTN (titin; minus strand), TTN-AS1 (TTN antisense RNA 1; plus strand). Cytogenetic location: 2q31.2.
Variant type: Deletion.
Coding change: c.68383_68387del on transcript NM_001267550.2 (MANE Select); coding-DNA positions 68383 to 68387, 5 bases deleted (AAGAC; older notation c.68383_68387delAAGAC).
Protein change: p.Lys22795fs; shifts the reading frame from lysine 22795.
Molecular consequence: frameshift variant.
Genome position (GRCh38, 1-based): chr2:178,578,128-178,578,132, GTCTT deleted on the plus strand (AAGAC on the coding strand, the reverse complement: TTN is on the minus strand); deleting any 5 consecutive bases within chr2:178,578,128-178,578,134 gives the same sequence; the c. name uses the placement nearest the transcript's 3' end. VCF-style (leftmost placement, unchanged base first): chr2-178578127-AGTCTT-A. GRCh37 (hg19) VCF-style: chr2-179442854-AGTCTT-A.
Other names: c.63460_63464del, p.Lys21154fs (NM_001256850.1); c.41188_41192del, p.Lys13730fs (NM_003319.4); c.60679_60683del, p.Lys20227fs (NM_133378.4); c.41563_41567del, p.Lys13855fs (NM_133432.3); c.41764_41768del, p.Lys13922fs (NM_133437.4); short protein forms K13730fs, K13855fs, K13922fs, K20227fs, K21154fs, K22795fs.
Identifiers: ClinVar variation 1211111 (VCV001211111.3), dbSNP rs2154174296, ClinGen allele CA2499215381.